The following is an entry in ClinVar:

ClinVar aggregate classification (germline): Uncertain significance (1 of 4 stars; one submission).

Conditions:
ANKRD1-related dilated cardiomyopathy. Identifiers: MedGen CN119551.

Submission:

Labcorp Genetics (formerly Invitae), Labcorp
Classification: Uncertain significance for ANKRD1-related dilated cardiomyopathy. Last evaluated: 2021-06-30. Review status: criteria provided, single submitter. Criteria: Invitae Variant Classification Sherloc (09022015). Collection method: clinical testing. Allele origin: germline.
Comment: This sequence change falls in intron 1 of the ANKRD1 gene. It does not directly change the encoded amino acid sequence of the ANKRD1 protein. It affects a nucleotide within the consensus splice site of the intron. This variant is not present in population databases (ExAC no frequency). This variant has not been reported in the literature in individuals affected with ANKRD1-related conditions. Nucleotide substitutions within the consensus splice site are a relatively common cause of aberrant splicing (PMID: 17576681, 9536098). Algorithms developed to predict the effect of sequence changes on RNA splicing suggest that this variant may create or strengthen a splice site. In summary, the available evidence is currently insufficient to determine the role of this variant in disease. Therefore, it has been classified as a Variant of Uncertain Significance.

Literature cited by the submitters: PubMed 17576681; PubMed 9536098.

NM_014391.3(ANKRD1):c.27+4T>G

Gene: ANKRD1 (ankyrin repeat domain 1; minus strand). Cytogenetic location: 10q23.31.
Variant type: single nucleotide variant.
Coding change: c.27+4T>G on transcript NM_014391.3 (MANE Select); 4 bases into the intron after coding-DNA position 27, T replaced by G.
Molecular consequence: intron variant.
Genome position (GRCh38, 1-based): chr10:90,920,997, A>C on the plus strand (T>G on the coding strand, the complement: ANKRD1 is on the minus strand). VCF-style: chr10-90920997-A-C. GRCh37 (hg19) VCF-style: chr10-92680754-A-C.
Identifiers: ClinVar variation 1364743 (VCV001364743.6), dbSNP rs376540175, ClinGen allele CA2573145885.